The following is an entry in ClinVar:

ClinVar aggregate classification (germline): Uncertain significance (1 of 4 stars; one submission).

Allele frequency attached by ClinVar (database versions not stated): gnomAD exomes below 0.00001.
gnomAD v4.1: 1 of 1,612,516 alleles (0.000062%); highest among the groups gnomAD compares: Non-Finnish European, 0.000085%; no homozygotes.

Submission:

Labcorp Genetics (formerly Invitae), Labcorp
Classification: Uncertain significance. Last evaluated: 2022-03-01. Review status: criteria provided, single submitter. Criteria: Invitae Variant Classification Sherloc (09022015). Collection method: clinical testing. Allele origin: germline.
Comment: In summary, the available evidence is currently insufficient to determine the role of this variant in disease. Therefore, it has been classified as a Variant of Uncertain Significance. Algorithms developed to predict the effect of missense changes on protein structure and function (SIFT, PolyPhen-2, Align-GVGD) all suggest that this variant is likely to be disruptive. This variant has not been reported in the literature in individuals affected with TRAF3IP1-related conditions. This variant is not present in population databases (gnomAD no frequency). This sequence change replaces methionine, which is neutral and non-polar, with threonine, which is neutral and polar, at codon 614 of the TRAF3IP1 protein (p.Met614Thr).

NM_015650.4(TRAF3IP1):c.1841T>C (p.Met614Thr)

Gene: TRAF3IP1 (TRAF3 interacting protein 1; plus strand). Cytogenetic location: 2q37.3.
Variant type: single nucleotide variant.
Coding change: c.1841T>C on transcript NM_015650.4 (MANE Select); coding-DNA position 1841, T replaced by C.
Protein change: p.Met614Thr; replaces methionine 614 with threonine.
Molecular consequence: missense variant.
Genome position (GRCh38, 1-based): chr2:238,397,610, T>C. VCF-style: chr2-238397610-T-C. GRCh37 (hg19) VCF-style: chr2-239306251-T-C.
Other names: c.1643T>C, p.Met548Thr (NM_001139490.1); short protein forms M614T, M548T.
Identifiers: ClinVar variation 2105429 (VCV002105429.4), dbSNP rs2469853261, ClinGen allele CA351246485.